The following is an entry in ClinVar:

ClinVar aggregate classification (germline): Pathogenic/Likely pathogenic. Review status: criteria provided, multiple submitters, no conflicts (2 of 4 stars). 4 submissions from 4 submitters: Pathogenic (1); Likely pathogenic (3). Last evaluated 2025-12-17.

Submissions (4):

Labcorp Genetics (formerly Invitae), Labcorp
Classification: Likely pathogenic. Last evaluated: 2025-12-17. Review status: criteria provided, single submitter. Criteria: Invitae Variant Classification Sherloc (09022015). Collection method: clinical testing. Allele origin: germline.
Comment: This sequence change affects a donor splice site in intron 48 of the SPTA1 gene. It is expected to disrupt RNA splicing. Variants that disrupt the donor or acceptor splice site typically lead to a loss of protein function (PMID: 16199547), and loss-of-function variants in SPTA1 are known to be pathogenic (PMID: 9192783, 18815189, 31333484, 31723846, 32266426). This variant is not present in population databases (gnomAD no frequency). This variant has not been reported in the literature in individuals affected with SPTA1-related conditions. ClinVar contains an entry for this variant (Variation ID: 1705957). Algorithms developed to predict the effect of sequence changes on RNA splicing suggest that this variant may disrupt the consensus splice site. In summary, the currently available evidence indicates that the variant is pathogenic, but additional data are needed to prove that conclusively. Therefore, this variant has been classified as Likely Pathogenic.

Center for Genomic Medicine, Rigshospitalet, Copenhagen University Hospital
Classification: Likely pathogenic. Last evaluated: 2025-03-04. Review status: criteria provided, single submitter. Criteria: ACMG Guidelines, 2015. Collection method: clinical testing. Allele origin: germline.

ARUP Laboratories, Molecular Genetics and Genomics, ARUP Laboratories
Classification: Pathogenic. Last evaluated: 2024-02-20. Review status: criteria provided, single submitter. Criteria: ARUP Molecular Germline Variant Investigation Process 2024. Collection method: clinical testing. Allele origin: germline.
Comment: The SPTA1 c.6788+1G>A variant, to our knowledge, is not reported in the medical literature but is reported in ClinVar (Variation ID: 1705957). This variant is absent from the Genome Aggregation Database (v2.1.1), indicating it is not a common polymorphism. This variant disrupts the canonical splice donor site of intron 48, which is likely to negatively impact gene function. Based on available information, this variant is considered to be pathogenic.

Mayo Clinic Laboratories, Mayo Clinic
Classification: Likely pathogenic. Last evaluated: 2023-01-27. Review status: criteria provided, single submitter. Criteria: ACMG Guidelines, 2015. Collection method: clinical testing. Allele origin: germline. Observed: 3 variant alleles.
Comment: PM2, PVS1_strong

Literature cited by the submitters: PubMed 16199547 (cited by Labcorp Genetics (formerly Invitae), Labcorp); PubMed 9192783 (cited by Labcorp Genetics (formerly Invitae), Labcorp); PubMed 18815189 (cited by Labcorp Genetics (formerly Invitae), Labcorp); PubMed 31333484 (cited by Labcorp Genetics (formerly Invitae), Labcorp); PubMed 31723846 (cited by Labcorp Genetics (formerly Invitae), Labcorp and Center for Genomic Medicine, Rigshospitalet, Copenhagen University Hospital); PubMed 32266426 (cited by Labcorp Genetics (formerly Invitae), Labcorp).

NM_003126.4(SPTA1):c.6788+1G>A

Gene: SPTA1 (spectrin alpha, erythrocytic 1; minus strand). Cytogenetic location: 1q23.1.
Variant type: single nucleotide variant.
Coding change: c.6788+1G>A on transcript NM_003126.4 (MANE Select); the canonical splice donor site of the intron after coding-DNA position 6788, G replaced by A.
Molecular consequence: splice donor variant.
Genome position (GRCh38, 1-based): chr1:158,615,215, C>T on the plus strand (G>A on the coding strand, the complement: SPTA1 is on the minus strand). VCF-style: chr1-158615215-C-T. GRCh37 (hg19) VCF-style: chr1-158585005-C-T.
Identifiers: ClinVar variation 1705957 (VCV001705957.8), dbSNP rs2526183021, ClinGen allele CA343013652.
Genomic context (GRCh38, chr1:158,615,215, plus strand): 5'-AAGGTCCTAACACCTAACACCACCTGCATCCCTCCCTGCTCTGGCCACACGCCCTCAATA[C>T]TTGGCCTGGATCTGTTGCTCCAGGTTGTGTTGCATCCGCAACCCAAGCTGGTAGAGCTGG-3'